The following is an entry in ClinVar:

NM_000037.4(ANK1):c.964C>T (p.Arg322Trp)

Gene: ANK1 (ankyrin 1; minus strand). Cytogenetic location: 8p11.21.
Variant type: single nucleotide variant.
Coding change: c.964C>T on transcript NM_000037.4 (MANE Select); coding-DNA position 964, C replaced by T.
Protein change: p.Arg322Trp; replaces arginine 322 with tryptophan.
Molecular consequence: missense variant.
Genome position (GRCh38, 1-based): chr8:41,719,804, G>A on the plus strand (C>T on the coding strand, the complement: ANK1 is on the minus strand). VCF-style: chr8-41719804-G-A. GRCh37 (hg19) VCF-style: chr8-41577322-G-A.
Other names: p.Arg322Trp; c.1063C>T, p.Arg355Trp (NM_001142446.2); c.964C>T, p.Arg322Trp (NM_020475.3, NM_020476.3, NM_020477.3); short protein forms R322W, R355W.
Identifiers: ClinVar variation 2439071 (VCV002439071.5), dbSNP rs770743762, ClinGen allele CA4728780.

ClinVar aggregate classification (germline): Uncertain significance. Review status: criteria provided, multiple submitters, no conflicts (2 of 4 stars). 3 submissions from 3 submitters: Uncertain significance (3). Last evaluated 2024-10-22.

Conditions:
Hereditary spherocytosis type 1. Also called: Spherocytosis type 1; ANK1-Related Spherocytosis. Identifiers: Orphanet 822, MedGen C2674218, MONDO:0008447, OMIM 182900.

Allele frequency attached by ClinVar (database versions not stated): ExAC 0.00001; gnomAD 0.00003; TOPMed 0.00003.
gnomAD v4.1: 40 of 1,614,082 alleles (0.0025%); highest among the groups gnomAD compares: Admixed American, 0.0033%; no homozygotes.

Submissions (3):

Mayo Clinic Laboratories, Mayo Clinic
Classification: Uncertain significance. Last evaluated: 2024-10-22. Review status: criteria provided, single submitter. Criteria: ACMG Guidelines, 2015. Collection method: clinical testing. Allele origin: germline. Observed: 1 variant allele.
Comment: PM2_supporting

Blueprint Genetics
Classification: Uncertain significance. Last evaluated: 2024-03-26. Review status: criteria provided, single submitter. Criteria: ACMG Guidelines, 2015. Collection method: clinical testing. Allele origin: germline.

Revvity Omics, Revvity
Classification: Uncertain significance for Hereditary spherocytosis type 1. Last evaluated: 2022-05-10. Review status: criteria provided, single submitter. Criteria: ACMG Guidelines, 2015. Collection method: clinical testing. Allele origin: germline.